The following is an entry in ClinVar:

NM_001077653.2(TBX20):c.1000C>T (p.Arg334Ter)

Gene: TBX20 (T-box transcription factor 20; minus strand). Cytogenetic location: 7p14.2.
Variant type: single nucleotide variant.
Coding change: c.1000C>T on transcript NM_001077653.2 (MANE Select); coding-DNA position 1000, C replaced by T.
Protein change: p.Arg334Ter; replaces arginine 334 with a stop codon.
Molecular consequence: nonsense.
Genome position (GRCh38, 1-based): chr7:35,204,473, G>A on the plus strand (C>T on the coding strand, the complement: TBX20 is on the minus strand). VCF-style: chr7-35204473-G-A. GRCh37 (hg19) VCF-style: chr7-35244085-G-A.
Other names: short protein forms R334*.
Identifiers: ClinVar variation 1741029 (VCV001741029.3), dbSNP rs2546981427, ClinGen allele CA367263436.

ClinVar aggregate classification (germline): Conflicting classifications of pathogenicity. Review status: criteria provided, conflicting classifications (1 of 4 stars). 2 submissions from 2 submitters: Likely pathogenic (1); Uncertain significance (1). Last evaluated 2022-08-25.

Conditions:
Cardiovascular phenotype. Identifiers: MedGen CN230736.
TBX20-related disorder. Also called: TBX20-related condition.

Submissions (2):

Ambry Genetics
Classification: Uncertain significance for Cardiovascular phenotype. Last evaluated: 2022-08-25. Review status: criteria provided, single submitter. Criteria: Ambry Variant Classification Scheme 2023. Collection method: clinical testing. Allele origin: germline.
Comment: The p.R334* variant (also known as c.1000C>T), located in coding exon 7 of the TBX20 gene, results from a C to T substitution at nucleotide position 1000. This changes the amino acid from an arginine to a stop codon within coding exon 7. This alteration occurs at the 3' terminus of theTBX20 gene, is not expected to trigger nonsense-mediated mRNA decay, and only impacts the last 25% of the protein. The exact functional effect of this alteration is unknown. This alteration was identified in a cohort of individuals undergoing whole exome sequencing for diverse clinical indications (Li AH et al. Genome Med, 2017 10;9:95). Since supporting evidence is limited at this time, the clinical significance of this alteration remains unclear.

Blueprint Genetics
Classification: Likely pathogenic for TBX20-related disorders. Last evaluated: 2021-03-11. Review status: criteria provided, single submitter. Criteria: ACMG Guidelines, 2015. Collection method: clinical testing. Allele origin: germline. Affected: yes. Observed: 1 variant allele.

Literature cited by the submitters: PubMed 29089047 (cited by Ambry Genetics).